The following is an entry in ClinVar:

ClinVar aggregate classification (germline): Conflicting classifications of pathogenicity. Review status: criteria provided, conflicting classifications (1 of 4 stars). 7 submissions from 7 submitters: Uncertain significance (1); Likely benign (5). 1 of the submissions does not count toward it. Last evaluated 2026-08-01.

Conditions:
Cardiovascular phenotype. Identifiers: MedGen CN230736.
Dilated cardiomyopathy 1G (CMD1G). Identifiers: Orphanet 154, MedGen C1858763, MONDO:0011400, OMIM 604145.
Autosomal recessive limb-girdle muscular dystrophy type 2J (LGMDR10). Also called: MUSCULAR DYSTROPHY, LIMB-GIRDLE, AUTOSOMAL RECESSIVE 10; Limb-girdle muscular dystrophy, type 2J. Identifiers: Orphanet 140922, MedGen C1837342, MONDO:0012127, OMIM 608807.
TTN-related disorder. Also called: TTN-related condition; TTN-related disease; TTN-related disorders.

Allele frequency attached by ClinVar (database versions not stated): ExAC 0.00001; gnomAD exomes 0.00002 and 0.00006; gnomAD 0.00008; TOPMed 0.00014.
gnomAD v4.1: 48 of 1,613,566 alleles (0.003%); highest among the groups gnomAD compares: Admixed American, 0.045%; no homozygotes.

Submissions (7):

CeGaT Center for Human Genetics Tuebingen
Classification: Likely benign. Last evaluated: 2026-08-01. Review status: criteria provided, single submitter. Criteria: CeGaT Center For Human Genetics Tuebingen Variant Classification Criteria Version 2. Collection method: clinical testing. Allele origin: germline. Affected: yes. Observed: 2 variant alleles.
Comment: TTN: BP4, BP7

Labcorp Genetics (formerly Invitae), Labcorp
Classification: Likely benign for Dilated cardiomyopathy 1G; Autosomal recessive limb-girdle muscular dystrophy type 2J. Last evaluated: 2026-01-31. Review status: criteria provided, single submitter. Criteria: Invitae Variant Classification Sherloc (09022015). Collection method: clinical testing. Allele origin: germline.

Blueprint Genetics
Classification: Likely benign. Last evaluated: 2024-03-06. Review status: criteria provided, single submitter. Criteria: ACMG Guidelines, 2015. Collection method: clinical testing. Allele origin: germline.

Ambry Genetics
Classification: Likely benign for Cardiovascular phenotype. Last evaluated: 2022-12-23. Review status: criteria provided, single submitter. Criteria: Ambry Variant Classification Scheme 2023. Collection method: clinical testing. Allele origin: germline.

GeneDx
Classification: Likely benign. Last evaluated: 2019-05-06. Review status: criteria provided, single submitter. Criteria: GeneDx Variant Classification Process June 2021. Collection method: clinical testing. Allele origin: germline. Affected: yes.

Eurofins Ntd Llc (ga)
Classification: Uncertain significance. Last evaluated: 2016-05-20. Review status: criteria provided, single submitter. Criteria: EGL Classification Definitions 2015. Collection method: clinical testing. Allele origin: germline. Observed: 2 variant alleles, 2 heterozygotes.

PreventionGenetics, part of Exact Sciences
Classification: Likely benign for TTN-related condition. Last evaluated: 2019-05-24. Review status: no assertion criteria provided. Collection method: clinical testing. Allele origin: germline. Not counted in ClinVar's aggregate classification.
Comment: This variant is classified as likely benign based on ACMG/AMP sequence variant interpretation guidelines (Richards et al. 2015 PMID: 25741868, with internal and published modifications).

NM_001267550.2(TTN):c.99582G>A (p.Pro33194=)

Genes: TTN (titin; minus strand), TTN-AS1 (TTN antisense RNA 1; plus strand). Cytogenetic location: 2q31.2.
Variant type: single nucleotide variant.
Coding change: c.99582G>A on transcript NM_001267550.2 (MANE Select); coding-DNA position 99582, G replaced by A.
Protein change: p.Pro33194=; no amino-acid change (proline 33194 retained).
Molecular consequence: synonymous variant. On other transcripts: non-coding transcript variant (1).
Genome position (GRCh38, 1-based): chr2:178,537,625, C>T on the plus strand (G>A on the coding strand, the complement: TTN is on the minus strand). VCF-style: chr2-178537625-C-T. GRCh37 (hg19) VCF-style: chr2-179402352-C-T.
Other names: c.94659G>A, p.Pro31553= (NM_001256850.1); c.72387G>A, p.Pro24129= (NM_003319.4); c.91878G>A, p.Pro30626= (NM_133378.4); c.72762G>A, p.Pro24254= (NM_133432.3); c.72963G>A, p.Pro24321= (NM_133437.4).
Identifiers: ClinVar variation 287696 (VCV000287696.25), dbSNP rs777730098, ClinGen allele CA1986167.
Genomic context (GRCh38, chr2:178,537,625, plus strand): 5'-AAGTGTGGAACCCACAGCTCCATAATATTTCTCTTTCAGTGGGTAACCAGGATGGAACTG[C>T]GGTGTTGCTTGCAGGAGAAGCTTACTACTGGTTTCTACTTCTCCAACCTCATTGGTGGCT-3'
Protein context (NP_001254479.2, residues 33184-33204): TSSKLLLQAT[Pro33194=]QFHPGYPLKE